The following is an entry in ClinVar:

NM_018418.5(SPATA7):c.1180G>A (p.Glu394Lys)

Gene: SPATA7 (spermatogenesis associated 7; plus strand). Cytogenetic location: 14q31.3.
Variant type: single nucleotide variant.
Coding change: c.1180G>A on transcript NM_018418.5 (MANE Select); coding-DNA position 1180, G replaced by A.
Protein change: p.Glu394Lys; replaces glutamic acid 394 with lysine.
Molecular consequence: missense variant.
Genome position (GRCh38, 1-based): chr14:88,437,562, G>A. VCF-style: chr14-88437562-G-A. GRCh37 (hg19) VCF-style: chr14-88903906-G-A.
Other names: c.1084G>A, p.Glu362Lys (NM_001040428.4); short protein forms E362K, E394K.
Identifiers: ClinVar variation 1032800 (VCV001032800.8), dbSNP rs199649645, ClinGen allele CA7298757.

ClinVar aggregate classification (germline): Uncertain significance. Review status: criteria provided, multiple submitters, no conflicts (2 of 4 stars). 4 submissions from 4 submitters: Uncertain significance (4). Last evaluated 2024-01-31.

Conditions:
Retinal dystrophy. Also called: Inherited retinal dystrophy. Identifiers: Orphanet 71862, MedGen C0854723, MeSH D058499, MONDO:0019118, HP:0000556.
Inborn genetic diseases. Identifiers: MedGen C0950123, MeSH D030342.
Leber congenital amaurosis 3 (LCA3). Also called: SPATA7-Related Retinitis Pigmentosa. Identifiers: MedGen C1858677, MONDO:0011415, OMIM 604232.

Allele frequency attached by ClinVar (database versions not stated): gnomAD 0.00001 and 0.00003; gnomAD exomes 0.00002 and 0.00006; TOPMed 0.00002; ExAC 0.00008; 1000 Genomes Project 30x 0.00016; 1000 Genomes Project 0.00020.
gnomAD v4.1: 28 of 1,610,816 alleles (0.0017%); highest among the groups gnomAD compares: Admixed American, 0.022%; 1 homozygote.

Submissions (4):

Ambry Genetics
Classification: Uncertain significance for Inborn genetic diseases. Last evaluated: 2024-01-31. Review status: criteria provided, single submitter. Criteria: Ambry Variant Classification Scheme 2023. Collection method: clinical testing. Allele origin: germline.

Dept Of Ophthalmology, Nagoya University
Classification: Uncertain significance for Retinal dystrophy. Last evaluated: 2023-10-01. Review status: criteria provided, single submitter. Criteria: Submitter's publication. Collection method: research. Allele origin: germline. Affected: yes.

Labcorp Genetics (formerly Invitae), Labcorp
Classification: Uncertain significance for Leber congenital amaurosis 3. Last evaluated: 2022-07-05. Review status: criteria provided, single submitter. Criteria: Invitae Variant Classification Sherloc (09022015). Collection method: clinical testing. Allele origin: germline.
Comment: This sequence change replaces glutamic acid, which is acidic and polar, with lysine, which is basic and polar, at codon 394 of the SPATA7 protein (p.Glu394Lys). This variant is present in population databases (rs199649645, gnomAD 0.04%). This variant has not been reported in the literature in individuals affected with SPATA7-related conditions. ClinVar contains an entry for this variant (Variation ID: 1032800). Algorithms developed to predict the effect of missense changes on protein structure and function are either unavailable or do not agree on the potential impact of this missense change (SIFT: "Deleterious"; PolyPhen-2: "Probably Damaging"; Align-GVGD: "Class C0"). In summary, the available evidence is currently insufficient to determine the role of this variant in disease. Therefore, it has been classified as a Variant of Uncertain Significance.

Baylor Genetics
Classification: Uncertain significance for Leber congenital amaurosis 3. Last evaluated: 2018-04-27. Review status: criteria provided, single submitter. Criteria: ACMG Guidelines, 2015. Collection method: clinical testing. Allele origin: paternal. Affected: yes.
Comment: This variant was determined to be of uncertain significance according to ACMG Guidelines, 2015 [PMID:25741868].